The following is an entry in ClinVar:

ClinVar aggregate classification (germline): Uncertain significance. Review status: criteria provided, multiple submitters, no conflicts (2 of 4 stars). 3 submissions from 3 submitters: Uncertain significance (3). Last evaluated 2025-08-01.

Conditions:
Fanconi anemia (FA). Also called: Fanconi's anemia. Identifiers: Orphanet 84, MedGen C0015625, MeSH D005199, MONDO:0019391.
Inborn genetic diseases. Identifiers: MedGen C0950123, MeSH D030342.

Submissions (3):

Quest Diagnostics Nichols Institute San Juan Capistrano
Classification: Uncertain significance. Last evaluated: 2025-08-01. Review status: criteria provided, single submitter. Criteria: Quest Diagnostics criteria. Collection method: clinical testing. Allele origin: unknown.
Comment: The FANCM c.2527A>T (p.Thr843Ser) variant has not been reported in individuals with FANCM-related conditions in the published literature. This variant has not been reported in large, multi-ethnic general populations (Genome Aggregation Database). Analysis of this variant using bioinformatics tools for the prediction of the effect of amino acid changes on protein structure and function yielded predictions that this variant is benign. Based on the available information, we are unable to determine the clinical significance of this variant.

Ambry Genetics
Classification: Uncertain significance for Inborn genetic diseases. Last evaluated: 2025-06-02. Review status: criteria provided, single submitter. Criteria: Ambry Variant Classification Scheme 2023. Collection method: clinical testing. Allele origin: germline.
Comment: The p.T843S variant (also known as c.2527A>T), located in coding exon 14 of the FANCM gene, results from an A to T substitution at nucleotide position 2527. The threonine at codon 843 is replaced by serine, an amino acid with similar properties. This amino acid position is conserved. In addition, this alteration is predicted to be tolerated by in silico analysis. Based on the available evidence, the clinical significance of this variant remains unclear.

Labcorp Genetics (formerly Invitae), Labcorp
Classification: Uncertain significance for Fanconi anemia. Last evaluated: 2022-02-08. Review status: criteria provided, single submitter. Criteria: Invitae Variant Classification Sherloc (09022015). Collection method: clinical testing. Allele origin: germline.
Comment: This variant is not present in population databases (gnomAD no frequency). This sequence change replaces threonine, which is neutral and polar, with serine, which is neutral and polar, at codon 843 of the FANCM protein (p.Thr843Ser). This variant has not been reported in the literature in individuals affected with FANCM-related conditions. In summary, the available evidence is currently insufficient to determine the role of this variant in disease. Therefore, it has been classified as a Variant of Uncertain Significance. Algorithms developed to predict the effect of missense changes on protein structure and function output the following: SIFT: "Tolerated"; PolyPhen-2: "Benign"; Align-GVGD: "Class C0". The serine amino acid residue is found in multiple mammalian species, which suggests that this missense change does not adversely affect protein function.

NM_020937.4(FANCM):c.2527A>T (p.Thr843Ser)

Gene: FANCM (FA complementation group M; plus strand). Cytogenetic location: 14q21.2.
Variant type: single nucleotide variant.
Coding change: c.2527A>T on transcript NM_020937.4 (MANE Select); coding-DNA position 2527, A replaced by T.
Protein change: p.Thr843Ser; replaces threonine 843 with serine.
Molecular consequence: missense variant.
Genome position (GRCh38, 1-based): chr14:45,175,281, A>T. VCF-style: chr14-45175281-A-T. GRCh37 (hg19) VCF-style: chr14-45644484-A-T.
Other names: c.2449A>T, p.Thr817Ser (NM_001308133.2); c.2527A>T (NM_020937.3); short protein forms T817S, T843S.
Identifiers: ClinVar variation 2201341 (VCV002201341.4), dbSNP rs2503181524, ClinGen allele CA389598044.